The following is an entry in ClinVar:

ClinVar aggregate classification (germline): Uncertain significance. Review status: criteria provided, multiple submitters, no conflicts (2 of 4 stars). 2 submissions from 2 submitters: Uncertain significance (2). Last evaluated 2024-03-06.

Conditions:
Autosomal recessive Alport syndrome (ATS2). Also called: COL4A4 Alport Syndrome and Thin Basement Membrane Nephropathy; Alport syndrome type 2; ALPORT SYNDROME 2, AUTOSOMAL RECESSIVE; COL4A3-Related Nephropathy. Identifiers: Orphanet 63, Orphanet 88919, MedGen C4746745, MONDO:0008762, OMIM 203780.
Hematuria, benign familial, 1 (BFH1). Also called: THIN MEMBRANE NEPHROPATHY. Identifiers: MedGen CN376803, MONDO:0007709, OMIM 141200.

gnomAD v4.1: 12 of 1,614,044 alleles (0.00074%); highest among the groups gnomAD compares: Middle Eastern, 0.016%; no homozygotes.

Submissions (2):

Fulgent Genetics
Classification: Uncertain significance for Hematuria, benign familial, 1; Autosomal recessive Alport syndrome. Last evaluated: 2024-03-06. Review status: criteria provided, single submitter. Criteria: ACMG Guidelines, 2015. Collection method: clinical testing. Allele origin: germline.

Labcorp Genetics (formerly Invitae), Labcorp
Classification: Uncertain significance. Last evaluated: 2024-02-11. Review status: criteria provided, single submitter. Criteria: Invitae Variant Classification Sherloc (09022015). Collection method: clinical testing. Allele origin: germline.
Comment: This sequence change replaces proline, which is neutral and non-polar, with serine, which is neutral and polar, at codon 67 of the COL4A4 protein (p.Pro67Ser). This variant is present in population databases (no rsID available, gnomAD 0.004%). This missense change has been observed in individual(s) with Alport syndrome (PMID: 31515789). Advanced modeling of protein sequence and biophysical properties (such as structural, functional, and spatial information, amino acid conservation, physicochemical variation, residue mobility, and thermodynamic stability) performed at Invitae indicates that this missense variant is not expected to disrupt COL4A4 protein function with a negative predictive value of 95%. In summary, the available evidence is currently insufficient to determine the role of this variant in disease. Therefore, it has been classified as a Variant of Uncertain Significance.

Literature cited by the submitters: PubMed 31515789 (cited by Labcorp Genetics (formerly Invitae), Labcorp).

NM_000092.5(COL4A4):c.199C>T (p.Pro67Ser)

Gene: COL4A4 (collagen type IV alpha 4 chain; minus strand). Cytogenetic location: 2q36.3.
Variant type: single nucleotide variant.
Coding change: c.199C>T on transcript NM_000092.5 (MANE Select); coding-DNA position 199, C replaced by T.
Protein change: p.Pro67Ser; replaces proline 67 with serine.
Molecular consequence: missense variant.
Genome position (GRCh38, 1-based): chr2:227,121,142, G>A on the plus strand (C>T on the coding strand, the complement: COL4A4 is on the minus strand). VCF-style: chr2-227121142-G-A. GRCh37 (hg19) VCF-style: chr2-227985858-G-A.
Other names: short protein forms P67S.
Identifiers: ClinVar variation 3585951 (VCV003585951.3).